The following is an entry in ClinVar:

ClinVar aggregate classification (germline): Benign. Review status: criteria provided, multiple submitters, no conflicts (2 of 4 stars). 5 submissions from 5 submitters: Benign (4). 1 of the submissions does not count toward it. Last evaluated 2026-02-02.

Conditions:
Acyl-CoA oxidase deficiency. Also called: Pseudoneonatal adrenoleukodystrophy; Peroxisomal acyl-CoA oxidase deficiency; STRAIGHT-CHAIN ACYL-CoA OXIDASE DEFICIENCY. Identifiers: Orphanet 2971, MedGen C1849678, MONDO:0009919, OMIM 264470. Disease mechanism: loss of function.

Allele frequency attached by ClinVar (database versions not stated): gnomAD exomes 0.00055 and 0.00165; ExAC 0.00207; gnomAD 0.00665 and 0.00707; 1000 Genomes Project 0.00699; TOPMed 0.00701; ESP Exome Variant Server 0.00715; 1000 Genomes Project 30x 0.00765.
gnomAD v4.1: 1,821 of 1,614,186 alleles (0.11%); highest among the groups gnomAD compares: African/African-American, 2.3%; 20 homozygotes.

Submissions (5):

Labcorp Genetics (formerly Invitae), Labcorp
Classification: Benign for Acyl-CoA oxidase deficiency. Last evaluated: 2026-02-02. Review status: criteria provided, single submitter. Criteria: Invitae Variant Classification Sherloc (09022015). Collection method: clinical testing. Allele origin: germline.

Mayo Clinic Laboratories, Mayo Clinic
Classification: Benign. Last evaluated: 2024-10-09. Review status: criteria provided, single submitter. Criteria: ACMG Guidelines, 2015. Collection method: clinical testing. Allele origin: germline. Observed: 6 variant alleles.
Comment: BA1, BS2, BP4

Illumina Laboratory Services, Illumina
Classification: Benign for Acyl-CoA oxidase deficiency. Last evaluated: 2018-01-13. Review status: criteria provided, single submitter. Criteria: ICSL Variant Classification Criteria 13 December 2019. Collection method: clinical testing. Allele origin: germline.
Comment: This variant was observed in the ICSL laboratory as part of a predisposition screen in an ostensibly healthy population. It had not been previously curated by ICSL or reported in the Human Gene Mutation Database (HGMD: prior to June 1st, 2018), and was therefore a candidate for classification through an automated scoring system. Utilizing variant allele frequency, disease prevalence and penetrance estimates, and inheritance mode, an automated score was calculated to assess if this variant is too frequent to cause the disease. Based on the score and internal cut-off values, a variant classified as benign is not then subjected to further curation. The score for this variant resulted in a classification of benign for this disease.

Breakthrough Genomics
Classification: Benign. Review status: criteria provided, single submitter. Criteria: ACMG Guidelines, 2015. Collection method: not provided. Allele origin: germline. Inheritance: Autosomal recessive inheritance. Affected: yes.

Natera, Inc.
Classification: Benign for Peroxisomal acyl CoA oxidase deficiency. Last evaluated: 2020-09-16. Review status: no assertion criteria provided. Collection method: clinical testing. Allele origin: germline. Not counted in ClinVar's aggregate classification.

NM_004035.7(ACOX1):c.1520T>C (p.Ile507Thr)

Gene: ACOX1 (acyl-CoA oxidase 1; minus strand). Cytogenetic location: 17q25.1.
Variant type: single nucleotide variant.
Coding change: c.1520T>C on transcript NM_004035.7 (MANE Select); coding-DNA position 1520, T replaced by C.
Protein change: p.Ile507Thr; replaces isoleucine 507 with threonine.
Molecular consequence: missense variant.
Genome position (GRCh38, 1-based): chr17:75,949,559, A>G on the plus strand (T>C on the coding strand, the complement: ACOX1 is on the minus strand). VCF-style: chr17-75949559-A-G. GRCh37 (hg19) VCF-style: chr17-73945640-A-G.
Other names: p.Ile507Thr; c.1406T>C, p.Ile469Thr (NM_001185039.2); c.1520T>C, p.Ile507Thr (NM_007292.6); short protein forms I507T, I469T.
Identifiers: ClinVar variation 785950 (VCV000785950.17), dbSNP rs77139740, ClinGen allele CA8776743.